The following is an entry in ClinVar:

NM_177438.3(DICER1):c.442C>G (p.Leu148Val)

Gene: DICER1 (dicer 1, ribonuclease III; minus strand). Cytogenetic location: 14q32.13.
Variant type: single nucleotide variant.
Coding change: c.442C>G on transcript NM_177438.3 (MANE Select); coding-DNA position 442, C replaced by G.
Protein change: p.Leu148Val; replaces leucine 148 with valine.
Molecular consequence: missense variant. On other transcripts: 5 prime UTR variant (1), non-coding transcript variant (6), intron variant (1).
Genome position (GRCh38, 1-based): chr14:95,130,189, G>C on the plus strand (C>G on the coding strand, the complement: DICER1 is on the minus strand). VCF-style: chr14-95130189-G-C. GRCh37 (hg19) VCF-style: chr14-95596526-G-C.
Other names: c.442C>G, p.Leu148Val (NM_001195573.1, NM_001271282.3, NM_001291628.2 and 15 more transcripts); c.160C>G, p.Leu54Val (NM_001395686.1); c.37C>G, p.Leu13Val (NM_001395687.1, NM_001395688.1, NM_001395689.1 and 3 more transcripts); c.-1127C>G (NM_001395697.1); c.-20-106C>G (NM_001395691.1); short protein forms L148V, L13V, L54V.
Identifiers: ClinVar variation 2911505 (VCV002911505.3), dbSNP rs2543306042, ClinGen allele CA390888611.

ClinVar aggregate classification (germline): Uncertain significance (1 of 4 stars; one submission).

Conditions:
DICER1-related tumor predisposition. Also called: DICER1 syndrome; DICER1-related pleuropulmonary blastoma cancer predisposition syndrome. Identifiers: Orphanet 284343, MedGen C3839822, MONDO:0100216.

Submission:

Labcorp Genetics (formerly Invitae), Labcorp
Classification: Uncertain significance for DICER1-related tumor predisposition. Last evaluated: 2023-07-21. Review status: criteria provided, single submitter. Criteria: Invitae Variant Classification Sherloc (09022015). Collection method: clinical testing. Allele origin: germline.
Comment: This sequence change replaces leucine, which is neutral and non-polar, with valine, which is neutral and non-polar, at codon 148 of the DICER1 protein (p.Leu148Val). This variant is not present in population databases (gnomAD no frequency). This variant has not been reported in the literature in individuals affected with DICER1-related conditions. Advanced modeling of protein sequence and biophysical properties (such as structural, functional, and spatial information, amino acid conservation, physicochemical variation, residue mobility, and thermodynamic stability) performed at Invitae indicates that this missense variant is not expected to disrupt DICER1 protein function. In summary, the available evidence is currently insufficient to determine the role of this variant in disease. Therefore, it has been classified as a Variant of Uncertain Significance.